The following is an entry in ClinVar:

NM_001039591.3(USP9X):c.6105T>C (p.Pro2035=)

Gene: USP9X (ubiquitin specific peptidase 9 X-linked; plus strand). Cytogenetic location: Xp11.4.
Variant type: single nucleotide variant.
Coding change: c.6105T>C on transcript NM_001039591.3 (MANE Select); coding-DNA position 6105, T replaced by C.
Protein change: p.Pro2035=; no amino-acid change (proline 2035 retained).
Molecular consequence: synonymous variant.
Genome position (GRCh38, 1-based): chrX:41,217,239, T>C. VCF-style: chrX-41217239-T-C. GRCh37 (hg19) VCF-style: chrX-41076492-T-C.
Other names: c.6105T>C, p.Pro2035= (NM_001039590.3).
Identifiers: ClinVar variation 745919 (VCV000745919.26), dbSNP rs374464442, ClinGen allele CA10389065.

ClinVar aggregate classification (germline): Benign/Likely benign. Review status: criteria provided, multiple submitters, no conflicts (2 of 4 stars). 3 submissions from 3 submitters: Benign (2); Likely benign (1). Last evaluated 2025-12-01.

Allele frequency attached by ClinVar (database versions not stated): gnomAD exomes 0.00006 and 0.00023; ExAC 0.00031; gnomAD 0.00069 and 0.00073; TOPMed 0.00070; 1000 Genomes Project 0.00079; 1000 Genomes Project 30x 0.00083; ESP Exome Variant Server 0.00089.
gnomAD v4.1: 149 of 1,205,320 alleles (0.012%); highest among the groups gnomAD compares: African/African-American, 0.23%; 1 homozygote.

Submissions (3):

Labcorp Genetics (formerly Invitae), Labcorp
Classification: Benign. Last evaluated: 2025-12-01. Review status: criteria provided, single submitter. Criteria: Invitae Variant Classification Sherloc (09022015). Collection method: clinical testing. Allele origin: germline.

CeGaT Center for Human Genetics Tuebingen
Classification: Likely benign. Last evaluated: 2024-08-01. Review status: criteria provided, single submitter. Criteria: CeGaT Center For Human Genetics Tuebingen Variant Classification Criteria Version 2. Collection method: clinical testing. Allele origin: germline. Affected: yes. Observed: 1 variant allele.
Comment: USP9X: BP4, BP7, BS2

GeneDx
Classification: Benign. Last evaluated: 2021-02-02. Review status: criteria provided, single submitter. Criteria: GeneDx Variant Classification Process June 2021. Collection method: clinical testing. Allele origin: germline. Affected: yes.